The following is an entry in ClinVar:

ClinVar aggregate classification (germline): Benign/Likely benign. Review status: criteria provided, multiple submitters, no conflicts (2 of 4 stars). 2 submissions from 2 submitters: Benign (1); Likely benign (1). Last evaluated 2026-02-03.

Conditions:
IFT88-related disorder. Also called: IFT88-related condition.

Allele frequency attached by ClinVar (database versions not stated): 1000 Genomes Project 0.00100; 1000 Genomes Project 30x 0.00141; TOPMed 0.00143; ESP Exome Variant Server 0.00208; gnomAD 0.00211 and 0.00216; gnomAD exomes 0.00240 and 0.00246; ExAC 0.00288.
gnomAD v4.1: 3,763 of 1,601,994 alleles (0.23%); highest among the groups gnomAD compares: Non-Finnish European, 0.26%; 8 homozygotes.

Submissions (2):

Labcorp Genetics (formerly Invitae), Labcorp
Classification: Benign. Last evaluated: 2026-02-03. Review status: criteria provided, single submitter. Criteria: Invitae Variant Classification Sherloc (09022015). Collection method: clinical testing. Allele origin: germline.

PreventionGenetics, part of Exact Sciences
Classification: Likely benign for IFT88-related condition. Last evaluated: 2025-12-04. Review status: criteria provided, single submitter. Criteria: ACMG Guidelines, 2015. Collection method: clinical testing. Allele origin: germline.
Comment: This variant is classified as likely benign based on ACMG/AMP sequence variant interpretation guidelines (Richards et al. 2015 PMID: 25741868, with internal and published modifications).

NM_006531.5(IFT88):c.1134T>C (p.Tyr378=)

Gene: IFT88 (intraflagellar transport 88; plus strand). Cytogenetic location: 13q12.11.
Variant type: single nucleotide variant.
Coding change: c.1134T>C on transcript NM_006531.5 (MANE Select); coding-DNA position 1134, T replaced by C.
Protein change: p.Tyr378=; no amino-acid change (tyrosine 378 retained).
Molecular consequence: synonymous variant. On other transcripts: non-coding transcript variant (5), intron variant (1).
Genome position (GRCh38, 1-based): chr13:20,615,814, T>C. VCF-style: chr13-20615814-T-C. GRCh37 (hg19) VCF-style: chr13-21189953-T-C.
Other names: c.1077T>C, p.Tyr359= (NM_001318491.2, NM_001353575.2); c.1161T>C, p.Tyr387= (NM_001318493.2, NM_001353565.2, NM_001353566.2 and 2 more transcripts); c.1134T>C, p.Tyr378= (NM_001353568.2, NM_001353572.2); c.1059T>C, p.Tyr353= (NM_001353569.2, NM_001353570.2, NM_001353576.2 and 1 more transcripts); c.1032T>C, p.Tyr344= (NM_001353571.2, NM_001353578.2); c.975T>C, p.Tyr325= (NM_001353574.2); c.501T>C, p.Tyr167= (NM_001353579.2); c.1056-9936T>C (NM_001353573.2); and 1 more.
Identifiers: ClinVar variation 1534372 (VCV001534372.9), dbSNP rs140223976, ClinGen allele CA6905302.